The following is an entry in ClinVar:

ClinVar aggregate classification (germline): Uncertain significance. Review status: criteria provided, multiple submitters, no conflicts (2 of 4 stars). 6 submissions from 6 submitters: Uncertain significance (6). Last evaluated 2024-06-27.

Conditions:
Muscular dystrophy-dystroglycanopathy type B6 (MDDGB6). Also called: MUSCULAR DYSTROPHY-DYSTROGLYCANOPATHY (CONGENITAL WITH IMPAIRED INTELLECTUAL DEVELOPMENT), TYPE B, 6; MUSCULAR DYSTROPHY, CONGENITAL, LARGE-RELATED; MUSCULAR DYSTROPHY, CONGENITAL, TYPE 1D. Identifiers: MedGen C1837229, MONDO:0012138, OMIM 608840.
Muscular dystrophy-dystroglycanopathy (congenital with brain and eye anomalies), type A1 (MDDGA1). Also called: WALKER-WARBURG SYNDROME OR MUSCLE-EYE-BRAIN DISEASE, POMT1-RELATED; Hydrocephalus, agyria and retinal dysplasia; Hard +/- E syndrome; Warburg syndrome; Chemke syndrome; Pagon syndrome. Identifiers: Orphanet 588, Orphanet 899, MedGen C4284790, MONDO:0009364, OMIM 236670.
Muscular dystrophy-dystroglycanopathy (congenital with brain and eye anomalies), type A6. Also called: WALKER-WARBURG SYNDROME OR MUSCLE-EYE-BRAIN DISEASE, LARGE-RELATED; MUSCULAR DYSTROPHY-DYSTROGLYCANOPATHY (CONGENITAL WITH BRAIN AND EYE ANOMALIES), TYPE A, 6. Identifiers: Orphanet 588, Orphanet 899, MedGen C3150414, MONDO:0013158, OMIM 613154.

Allele frequency attached by ClinVar (database versions not stated): gnomAD exomes 0.00003; ExAC 0.00004; gnomAD 0.00004; TOPMed 0.00006; ESP Exome Variant Server 0.00008.
gnomAD v4.1: 44 of 1,614,070 alleles (0.0027%); highest among the groups gnomAD compares: Middle Eastern, 0.066%; no homozygotes.

Submissions (6):

Revvity Omics, Revvity
Classification: Uncertain significance. Last evaluated: 2024-06-27. Review status: criteria provided, single submitter. Criteria: ACMG Guidelines, 2015. Collection method: clinical testing. Allele origin: germline.

Women's Health and Genetics/Laboratory Corporation of America, LabCorp
Classification: Uncertain significance. Last evaluated: 2024-05-25. Review status: criteria provided, single submitter. Criteria: LabCorp Variant Classification Summary - May 2015. Collection method: clinical testing. Allele origin: germline.
Comment: Variant summary: LARGE1 c.1413C>A (p.Ser471Arg) results in a non-conservative amino acid change in the encoded protein sequence. Four of five in-silico tools predict a benign effect of the variant on protein function. The variant allele was found at a frequency of 3.2e-05 in 251136 control chromosomes. The available data on variant occurrences in the general population are insufficient to allow any conclusion about variant significance. c.1413C>A has been reported in the literature in at least one individual affected with LARGE1-Related Disorders (e.g. Alfares_2017). These report(s) do not provide unequivocal conclusions about association of the variant with LARGE1-Related Disorders. To our knowledge, no experimental evidence demonstrating an impact on protein function has been reported. The following publication have been ascertained in the context of this evaluation (PMID: 28454995). ClinVar contains an entry for this variant (Variation ID: 579774). Based on the evidence outlined above, the variant was classified as uncertain significance.

Labcorp Genetics (formerly Invitae), Labcorp
Classification: Uncertain significance for Muscular dystrophy-dystroglycanopathy type B6. Last evaluated: 2023-11-27. Review status: criteria provided, single submitter. Criteria: Invitae Variant Classification Sherloc (09022015). Collection method: clinical testing. Allele origin: germline.
Comment: This sequence change replaces serine, which is neutral and polar, with arginine, which is basic and polar, at codon 471 of the LARGE1 protein (p.Ser471Arg). This variant is present in population databases (rs376160270, gnomAD 0.03%). This missense change has been observed in individual(s) with clinical features of LARGE1-related conditions (PMID: 28454995). ClinVar contains an entry for this variant (Variation ID: 579774). Advanced modeling of protein sequence and biophysical properties (such as structural, functional, and spatial information, amino acid conservation, physicochemical variation, residue mobility, and thermodynamic stability) performed at Invitae indicates that this missense variant is not expected to disrupt LARGE1 protein function with a negative predictive value of 80%. In summary, the available evidence is currently insufficient to determine the role of this variant in disease. Therefore, it has been classified as a Variant of Uncertain Significance.

Blueprint Genetics
Classification: Uncertain significance. Last evaluated: 2023-08-10. Review status: criteria provided, single submitter. Criteria: ACMG Guidelines, 2015. Collection method: clinical testing. Allele origin: germline.

GeneDx
Classification: Uncertain significance. Last evaluated: 2022-05-23. Review status: criteria provided, single submitter. Criteria: GeneDx Variant Classification Process June 2021. Collection method: clinical testing. Allele origin: germline. Affected: yes.
Comment: Reported as heterozygous along with a likely benign variant in LARGE1 in a patient with muscular dystrophy; information about segregation analysis was not provided (Alfares et al., 2017); In silico analysis supports that this missense variant does not alter protein structure/function; This variant is associated with the following publications: (PMID: 28454995, 34426522, 25279699, 24709677)

Fulgent Genetics
Classification: Uncertain significance for Muscular dystrophy-dystroglycanopathy (congenital with brain and eye anomalies), type A1; Muscular dystrophy-dystroglycanopathy type B6; Muscular dystrophy-dystroglycanopathy (congenital with brain and eye anomalies), type A6. Last evaluated: 2018-10-31. Review status: criteria provided, single submitter. Criteria: ACMG Guidelines, 2015. Collection method: clinical testing. Allele origin: unknown.

Literature cited by the submitters: PubMed 28454995 (cited by Women's Health and Genetics/Laboratory Corporation of America, LabCorp and Labcorp Genetics (formerly Invitae), Labcorp).

NM_133642.5(LARGE1):c.1413C>A (p.Ser471Arg)

Gene: LARGE1 (LARGE xylosyl- and glucuronyltransferase 1; minus strand). Cytogenetic location: 22q12.3.
Variant type: single nucleotide variant.
Coding change: c.1413C>A on transcript NM_133642.5 (MANE Select); coding-DNA position 1413, C replaced by A.
Protein change: p.Ser471Arg; replaces serine 471 with arginine.
Molecular consequence: missense variant.
Genome position (GRCh38, 1-based): chr22:33,316,123, G>T on the plus strand (C>A on the coding strand, the complement: LARGE1 is on the minus strand). VCF-style: chr22-33316123-G-T. GRCh37 (hg19) VCF-style: chr22-33712109-G-T.
Other names: c.1413C>A, p.Ser471Arg (NM_001362949.2, NM_001362951.2, NM_001362953.2 and 6 more transcripts); c.1257C>A, p.Ser419Arg (NM_001378629.1); c.810C>A, p.Ser270Arg (NM_001378630.1); c.654C>A, p.Ser218Arg (NM_001378631.1); c.1413C>A (NM_004737.6); short protein forms S471R, S218R, S270R, S419R.
Identifiers: ClinVar variation 579774 (VCV000579774.13), dbSNP rs376160270, ClinGen allele CA10202756.